The following is an entry in ClinVar:

ClinVar aggregate classification (germline): Likely benign. Review status: criteria provided, multiple submitters, no conflicts (2 of 4 stars). 3 submissions from 3 submitters: Likely benign (3). Last evaluated 2026-05-28.

Conditions:
Cardiovascular phenotype. Identifiers: MedGen CN230736.
Familial hypercholesterolemia. Also called: Familial hypercholesterolaemia; Familial hypercholesterolemias. Identifiers: MedGen C0020445, MONDO:0005439.

Submissions (3):

Ambry Genetics
Classification: Likely benign for Cardiovascular phenotype. Last evaluated: 2026-05-28. Review status: criteria provided, single submitter. Criteria: Ambry Variant Classification Scheme 2023. Collection method: clinical testing. Allele origin: germline.

CeGaT Center for Human Genetics Tuebingen
Classification: Likely benign. Last evaluated: 2026-04-01. Review status: criteria provided, single submitter. Criteria: CeGaT Center For Human Genetics Tuebingen Variant Classification Criteria Version 2. Collection method: clinical testing. Allele origin: germline. Affected: yes. Observed: 1 variant allele.
Comment: APOB: PM2:Supporting, BP4, BP7

GENinCode PLC
Classification: Likely benign for Familial hypercholesterolemia. Last evaluated: 2025-01-09. Review status: criteria provided, single submitter. Criteria: ACMG Guidelines, 2015. Collection method: clinical testing. Allele origin: germline.
Comment: This is a synonymous (silent) variant that is not predicted to impact splicing and occurs at a nucleotide which is not highly conserved. This variant has been classified as Likely Benign (BP4, BP7).

NM_000384.3(APOB):c.4932A>G (p.Thr1644=)

Gene: APOB (apolipoprotein B; minus strand). Cytogenetic location: 2p24.1.
Variant type: single nucleotide variant.
Coding change: c.4932A>G on transcript NM_000384.3 (MANE Select); coding-DNA position 4932, A replaced by G.
Protein change: p.Thr1644=; no amino-acid change (threonine 1644 retained).
Molecular consequence: synonymous variant.
Genome position (GRCh38, 1-based): chr2:21,011,936, T>C on the plus strand (A>G on the coding strand, the complement: APOB is on the minus strand). VCF-style: chr2-21011936-T-C. GRCh37 (hg19) VCF-style: chr2-21234808-T-C.
Identifiers: ClinVar variation 3571442 (VCV003571442.4).